The following is an entry in ClinVar:

NM_006254.4(PRKCD):c.1231A>G (p.Thr411Ala)

Gene: PRKCD (protein kinase C delta; plus strand). Cytogenetic location: 3p21.1.
Variant type: single nucleotide variant.
Coding change: c.1231A>G on transcript NM_006254.4 (MANE Select); coding-DNA position 1231, A replaced by G.
Protein change: p.Thr411Ala; replaces threonine 411 with alanine.
Molecular consequence: missense variant.
Genome position (GRCh38, 1-based): chr3:53,186,311, A>G. VCF-style: chr3-53186311-A-G. GRCh37 (hg19) VCF-style: chr3-53220327-A-G.
Other names: c.1231A>G, p.Thr411Ala (NM_001316327.2, NM_001354679.2, NM_001354680.2 and 1 more transcripts); c.1288A>G, p.Thr430Ala (NM_001354676.2); c.1279A>G, p.Thr427Ala (NM_001354678.2); short protein forms T411A, T427A, T430A.
Identifiers: ClinVar variation 936983 (VCV000936983.6), dbSNP rs1553669078, ClinGen allele CA353222016.

ClinVar aggregate classification (germline): Uncertain significance (1 of 4 stars; one submission).

Conditions:
Autoimmune lymphoproliferative syndrome, type III caused by mutation in PRKCD. Identifiers: Orphanet 3261, Orphanet 664711, MedGen C3809928, MONDO:8000024, OMIM 615559.

Allele frequency attached by ClinVar (database versions not stated): gnomAD exomes below 0.00001 and 0.00001; gnomAD 0.00001.
gnomAD v4.1: 10 of 1,614,008 alleles (0.00062%); highest among the groups gnomAD compares: Non-Finnish European, 0.00068%; no homozygotes.

Submission:

Labcorp Genetics (formerly Invitae), Labcorp
Classification: Uncertain significance for Autoimmune lymphoproliferative syndrome, type III caused by mutation in PRKCD. Last evaluated: 2025-06-02. Review status: criteria provided, single submitter. Criteria: Invitae Variant Classification Sherloc (09022015). Collection method: clinical testing. Allele origin: germline.
Comment: This sequence change replaces threonine, which is neutral and polar, with alanine, which is neutral and non-polar, at codon 411 of the PRKCD protein (p.Thr411Ala). This variant is present in population databases (no rsID available, gnomAD 0.004%). This variant has not been reported in the literature in individuals affected with PRKCD-related conditions. ClinVar contains an entry for this variant (Variation ID: 936983). An algorithm developed to predict the effect of missense changes on protein structure and function outputs the following: PolyPhen-2: "Benign". The alanine amino acid residue is found in multiple mammalian species, which suggests that this missense change does not adversely affect protein function. In summary, the available evidence is currently insufficient to determine the role of this variant in disease. Therefore, it has been classified as a Variant of Uncertain Significance.